The following is an entry in ClinVar:

NM_001267550.2(TTN):c.52102+5G>A

Genes: TTN (titin; minus strand), TTN-AS1 (TTN antisense RNA 1; plus strand). Cytogenetic location: 2q31.2.
Variant type: single nucleotide variant.
Coding change: c.52102+5G>A on transcript NM_001267550.2 (MANE Select); 5 bases into the intron after coding-DNA position 52102, G replaced by A.
Molecular consequence: intron variant.
Genome position (GRCh38, 1-based): chr2:178,609,203, C>T on the plus strand (G>A on the coding strand, the complement: TTN is on the minus strand). VCF-style: chr2-178609203-C-T. GRCh37 (hg19) VCF-style: chr2-179473930-C-T.
Other names: c.24907+5G>A (NM_003319.4); c.25483+5G>A (NM_133437.4); c.25282+5G>A (NM_133432.3); c.44398+5G>A (NM_133378.4); c.47179+5G>A (NM_001256850.1).
Identifiers: ClinVar variation 931929 (VCV000931929.3), dbSNP rs886042399, ClinGen allele CA1139657441.

ClinVar aggregate classification (germline): Uncertain significance (1 of 4 stars; one submission).

Submission:

Centre for Mendelian Genomics, University Medical Centre Ljubljana
Classification: Uncertain significance. Last evaluated: 2019-08-13. Review status: criteria provided, single submitter. Criteria: ACMG Guidelines, 2015. Collection method: clinical testing. Allele origin: unknown. Affected: yes.
Comment: This variant was classified as: Uncertain significance. The available evidence favors the pathogenic nature of this variant, however the currently available data is insufficient to conclusively support its pathogenic nature. Thus this variant is classified as Uncertain significance - favor pathogenic. The following ACMG criteria were applied in classifying this variant: PM2,PP3,PP5.